The following is an entry in ClinVar:

NM_206933.4(USH2A):c.1877G>A (p.Arg626Gln)

Gene: USH2A (usherin; minus strand). Cytogenetic location: 1q41.
Variant type: single nucleotide variant.
Coding change: c.1877G>A on transcript NM_206933.4 (MANE Select); coding-DNA position 1877, G replaced by A.
Protein change: p.Arg626Gln; replaces arginine 626 with glutamine.
Molecular consequence: missense variant.
Genome position (GRCh38, 1-based): chr1:216,289,374, C>T on the plus strand (G>A on the coding strand, the complement: USH2A is on the minus strand). VCF-style: chr1-216289374-C-T. GRCh37 (hg19) VCF-style: chr1-216462716-C-T.
Other names: c.1877G>A, p.Arg626Gln (NM_007123.6); short protein forms R626Q.
Identifiers: ClinVar variation 48477 (VCV000048477.12), dbSNP rs192524347, ClinGen allele CA143423.

ClinVar aggregate classification (germline): Uncertain significance. Review status: criteria provided, multiple submitters, no conflicts (2 of 4 stars). 8 submissions from 7 submitters: Uncertain significance (6). 2 of the submissions do not count toward it. Last evaluated 2025-07-30.

Conditions:
Usher syndrome type 2A. Also called: RETINAL DISEASE IN USHER SYNDROME TYPE IIA, MODIFIER OF; USHER SYNDROME, TYPE IIA. Identifiers: Orphanet 231178, Orphanet 886, MedGen C1848634, MONDO:0010169, OMIM 276901.
Retinitis pigmentosa 39 (RP39). Identifiers: Orphanet 791, MedGen C3151138, MONDO:0013436, OMIM 613809.

Allele frequency attached by ClinVar (database versions not stated): gnomAD 0.00004; TOPMed 0.00004; ExAC 0.00006; gnomAD exomes 0.00006; 1000 Genomes Project 30x 0.00016; 1000 Genomes Project 0.00020.
gnomAD v4.1: 30 of 1,613,936 alleles (0.0019%); highest among the groups gnomAD compares: East Asian, 0.025%; no homozygotes.

Submissions (8):

GeneDx
Classification: Uncertain significance. Last evaluated: 2025-07-30. Review status: criteria provided, single submitter. Criteria: GeneDx Variant Classification Process June 2021. Collection method: clinical testing. Allele origin: germline. Affected: yes.
Comment: Identified in a patient with hearing loss in published literature (PMID: 23967202) but additional evidence is not available; In silico analysis supports that this missense variant has a deleterious effect on protein structure/function; This variant is associated with the following publications: (PMID: 30245029, 23967202)

Labcorp Genetics (formerly Invitae), Labcorp
Classification: Uncertain significance. Last evaluated: 2024-08-14. Review status: criteria provided, single submitter. Criteria: Invitae Variant Classification Sherloc (09022015). Collection method: clinical testing. Allele origin: germline.
Comment: This sequence change replaces arginine, which is basic and polar, with glutamine, which is neutral and polar, at codon 626 of the USH2A protein (p.Arg626Gln). This variant is present in population databases (rs192524347, gnomAD 0.05%). This missense change has been observed in individual(s) with deafness (PMID: 23967202). ClinVar contains an entry for this variant (Variation ID: 48477). Invitae Evidence Modeling of protein sequence and biophysical properties (such as structural, functional, and spatial information, amino acid conservation, physicochemical variation, residue mobility, and thermodynamic stability) indicates that this missense variant is not expected to disrupt USH2A protein function with a negative predictive value of 95%. In summary, the available evidence is currently insufficient to determine the role of this variant in disease. Therefore, it has been classified as a Variant of Uncertain Significance.

Genome-Nilou Lab
Classification: Uncertain significance for Retinitis pigmentosa 39. Last evaluated: 2023-11-04. Review status: criteria provided, single submitter. Criteria: ACMG Guidelines, 2015. Collection method: clinical testing. Allele origin: germline. Affected: no.

Genome-Nilou Lab
Classification: Uncertain significance for Usher syndrome type 2A. Last evaluated: 2023-11-04. Review status: criteria provided, single submitter. Criteria: ACMG Guidelines, 2015. Collection method: clinical testing. Allele origin: germline. Affected: no.

Blueprint Genetics
Classification: Uncertain significance. Last evaluated: 2019-01-09. Review status: criteria provided, single submitter. Criteria: ACMG Guidelines, 2015. Collection method: clinical testing. Allele origin: germline.

Laboratory for Molecular Medicine, Mass General Brigham Personalized Medicine
Classification: Uncertain significance. Last evaluated: 2011-09-04. Review status: criteria provided, single submitter. Criteria: LMM Criteria. Collection method: clinical testing. Allele origin: germline. Observed: 2 variant alleles.
Comment: The Arg626Gln variant in USH2A has not been reported in the literature nor previ ously identified by our laboratory. This residue is conserved across species and computational analyses (PolyPhen2, SIFT, AlignGVGD) suggest that the Arg626Gln variant may impact the protein. However, this information is not predictive enou gh to assume pathogenicity. In summary, the clinical significance of this varian t cannot be determined with certainty at this time.

Natera, Inc.
Classification: Uncertain significance for Usher syndrome type 2A. Last evaluated: 2020-09-16. Review status: no assertion criteria provided. Collection method: clinical testing. Allele origin: germline. Not counted in ClinVar's aggregate classification.

Counsyl
Classification: Uncertain significance for Usher syndrome type 2A; Retinitis pigmentosa 39. Last evaluated: 2017-02-22. Review status: no assertion criteria provided. Collection method: clinical testing. Allele origin: unknown. Not counted in ClinVar's aggregate classification.

Literature cited by the submitters: PubMed 23967202 (cited by Labcorp Genetics (formerly Invitae), Labcorp and Counsyl).